The following is an entry in ClinVar:

NM_000038.6(APC):c.4276dup (p.Ser1426fs)

Gene: APC (APC regulator of Wnt signaling pathway; plus strand). Cytogenetic location: 5q22.2.
Variant type: Duplication.
Coding change: c.4276dup on transcript NM_000038.6 (MANE Select); coding-DNA position 4276, one base duplicated (A; older notation c.4276dupA).
Protein change: p.Ser1426fs; shifts the reading frame from serine 1426.
Molecular consequence: frameshift variant.
Genome position (GRCh38, 1-based): chr5:112,839,870, A duplicated. VCF-style (leftmost placement, unchanged base first): chr5-112839869-T-TA. GRCh37 (hg19) VCF-style: chr5-112175566-T-TA.
Other names: c.4276dup, p.Ser1426fs (NM_001127510.3, NM_001354895.2); c.4222dup, p.Ser1408fs (NM_001127511.3); c.4330dup, p.Ser1444fs (NM_001354896.2); c.4306dup, p.Ser1436fs (NM_001354897.2); c.4201dup, p.Ser1401fs (NM_001354898.2); c.4192dup, p.Ser1398fs (NM_001354899.2); c.4153dup, p.Ser1385fs (NM_001354900.2); c.4099dup, p.Ser1367fs (NM_001354901.2); and 5 more; short protein forms S1300fs, S1398fs, S1325fs, S1436fs, S1367fs, S1143fs, S1266fs, S1335fs.
Identifiers: ClinVar variation 1372302 (VCV001372302.8), dbSNP rs2149910595, ClinGen allele CA2573138706.

ClinVar aggregate classification (germline): Pathogenic (1 of 4 stars; one submission).

Conditions:
Familial adenomatous polyposis 1 (FAP1). Also called: FAMILIAL ADENOMATOUS POLYPOSIS 1, ATTENUATED; POLYPOSIS, ADENOMATOUS INTESTINAL. Identifiers: MedGen C2713442, MONDO:0021056, OMIM 175100. Disease mechanism: loss of function.

Submission:

Labcorp Genetics (formerly Invitae), Labcorp
Classification: Pathogenic for Familial adenomatous polyposis 1. Last evaluated: 2021-02-14. Review status: criteria provided, single submitter. Criteria: Invitae Variant Classification Sherloc (09022015). Collection method: clinical testing. Allele origin: germline.
Comment: This variant is not present in population databases (ExAC no frequency). This sequence change creates a premature translational stop signal (p.Ser1426Lysfs*12) in the APC gene. While this is not anticipated to result in nonsense mediated decay, it is expected to disrupt the last 1418 amino acid(s) of the APC protein. This variant has been observed in individual(s) with familial adenomatous polyposis coli (PMID: 10454823). This variant is expected to disrupt the EB1 and HDLG binding sites, which mediate interactions with the cytoskeleton (PMID: 15311282, 17293347). While functional studies have not been performed to directly test the effect on APC protein function, this suggests that disruption of the C-terminal portion of the protein is functionally important. For these reasons, this variant has been classified as Pathogenic. A different truncation (p.Tyr2645Lysfs*14) that lies downstream of this variant has been determined to be pathogenic (PMID: 9824584, 1316610, 27081525, 8381579, 22135120, Invitae). This suggests that deletion of this region of the APC protein is causative of disease.

Literature cited by the submitters: PubMed 10454823; PubMed 15311282; PubMed 17293347; PubMed 9824584; PubMed 1316610; PubMed 27081525; PubMed 8381579; PubMed 22135120.